The following is an entry in ClinVar:

NM_002734.5(PRKAR1A):c.43C>A (p.Leu15Ile)

Gene: PRKAR1A (protein kinase cAMP-dependent type I regulatory subunit alpha; plus strand). Cytogenetic location: 17q24.2.
Variant type: single nucleotide variant.
Coding change: c.43C>A on transcript NM_002734.5 (MANE Select); coding-DNA position 43, C replaced by A.
Protein change: p.Leu15Ile; replaces leucine 15 with isoleucine.
Molecular consequence: missense variant.
Genome position (GRCh38, 1-based): chr17:68,515,442, C>A. VCF-style: chr17-68515442-C-A. GRCh37 (hg19) VCF-style: chr17-66511583-C-A.
Other names: c.43C>A, p.Leu15Ile (NM_001276289.2, NM_001276290.1, NM_001278433.2 and 4 more transcripts); c.43C>A (NM_002734.3); short protein forms L15I.
Identifiers: ClinVar variation 1058245 (VCV001058245.8), dbSNP rs2143149707, ClinGen allele CA400751845.

ClinVar aggregate classification (germline): Uncertain significance. Review status: criteria provided, multiple submitters, no conflicts (2 of 4 stars). 2 submissions from 2 submitters: Uncertain significance (2). Last evaluated 2025-06-03.

Conditions:
Carney complex, type 1 (CNC1). Also called: CARNEY COMPLEX, TYPE I; CARNEY MYXOMA-ENDOCRINE COMPLEX. Identifiers: Orphanet 1359, MedGen C2607929, MONDO:0008057, OMIM 160980.
Hereditary cancer-predisposing syndrome. Also called: Neoplastic Syndromes, Hereditary; Hereditary Cancer Syndrome; Hereditary neoplastic syndrome; Tumor predisposition. Identifiers: Orphanet 140162, MedGen C0027672, MeSH D009386, MONDO:0015356.

Submissions (2):

Labcorp Genetics (formerly Invitae), Labcorp
Classification: Uncertain significance for Carney complex, type 1. Last evaluated: 2025-06-03. Review status: criteria provided, single submitter. Criteria: Invitae Variant Classification Sherloc (09022015). Collection method: clinical testing. Allele origin: germline.
Comment: This sequence change replaces leucine, which is neutral and non-polar, with isoleucine, which is neutral and non-polar, at codon 15 of the PRKAR1A protein (p.Leu15Ile). This variant is not present in population databases (gnomAD no frequency). This variant has not been reported in the literature in individuals affected with PRKAR1A-related conditions. ClinVar contains an entry for this variant (Variation ID: 1058245). Invitae Evidence Modeling of protein sequence and biophysical properties (such as structural, functional, and spatial information, amino acid conservation, physicochemical variation, residue mobility, and thermodynamic stability) indicates that this missense variant is not expected to disrupt PRKAR1A protein function with a negative predictive value of 95%. In summary, the available evidence is currently insufficient to determine the role of this variant in disease. Therefore, it has been classified as a Variant of Uncertain Significance.

Ambry Genetics
Classification: Uncertain significance for Hereditary cancer-predisposing syndrome. Last evaluated: 2023-05-10. Review status: criteria provided, single submitter. Criteria: Ambry Variant Classification Scheme 2023. Collection method: clinical testing. Allele origin: germline.
Comment: The p.L15I variant (also known as c.43C>A), located in coding exon 1 of the PRKAR1A gene, results from a C to A substitution at nucleotide position 43. The leucine at codon 15 is replaced by isoleucine, an amino acid with highly similar properties. This amino acid position is highly conserved in available vertebrate species. In addition, the in silico prediction for this alteration is inconclusive. Since supporting evidence is limited at this time, the clinical significance of this alteration remains unclear.